The following is an entry in ClinVar:

ClinVar aggregate classification (germline): Uncertain significance. Review status: criteria provided, multiple submitters, no conflicts (2 of 4 stars). 2 submissions from 2 submitters: Uncertain significance (2). Last evaluated 2025-01-17.

Conditions:
Gastrointestinal stromal tumor. Also called: Gastrointestinal stromal tumor, somatic; Gastrointestinal stroma tumor. Identifiers: Orphanet 44890, MedGen C0238198, MeSH D046152, MONDO:0011719, OMIM 606764, HP:0100723.
Hereditary cancer-predisposing syndrome. Also called: Tumor predisposition; Neoplastic Syndromes, Hereditary; Hereditary neoplastic syndrome; Hereditary Cancer Syndrome. Identifiers: Orphanet 140162, MedGen C0027672, MeSH D009386, MONDO:0015356.

Allele frequency attached by ClinVar (database versions not stated): gnomAD exomes 0.00001.
gnomAD v4.1: 5 of 1,613,834 alleles (0.00031%); highest among the groups gnomAD compares: Non-Finnish European, 0.00042%; no homozygotes.

Submissions (2):

Labcorp Genetics (formerly Invitae), Labcorp
Classification: Uncertain significance for Gastrointestinal stromal tumor. Last evaluated: 2025-01-17. Review status: criteria provided, single submitter. Criteria: Invitae Variant Classification Sherloc (09022015). Collection method: clinical testing. Allele origin: germline.
Comment: This sequence change replaces threonine, which is neutral and polar, with serine, which is neutral and polar, at codon 157 of the PDGFRA protein (p.Thr157Ser). This variant is not present in population databases (gnomAD no frequency). This variant has not been reported in the literature in individuals affected with PDGFRA-related conditions. ClinVar contains an entry for this variant (Variation ID: 1052625). Invitae Evidence Modeling of protein sequence and biophysical properties (such as structural, functional, and spatial information, amino acid conservation, physicochemical variation, residue mobility, and thermodynamic stability) indicates that this missense variant is not expected to disrupt PDGFRA protein function with a negative predictive value of 80%. In summary, the available evidence is currently insufficient to determine the role of this variant in disease. Therefore, it has been classified as a Variant of Uncertain Significance.

Ambry Genetics
Classification: Uncertain significance for Hereditary cancer-predisposing syndrome. Last evaluated: 2021-10-04. Review status: criteria provided, single submitter. Criteria: Ambry Variant Classification Scheme 2023. Collection method: clinical testing. Allele origin: germline.
Comment: The p.T157S variant (also known as c.469A>T), located in coding exon 3 of the PDGFRA gene, results from an A to T substitution at nucleotide position 469. The threonine at codon 157 is replaced by serine, an amino acid with similar properties. This amino acid position is conserved. In addition, this alteration is predicted to be tolerated by in silico analysis. Since supporting evidence is limited at this time, the clinical significance of this alteration remains unclear.

NM_006206.6(PDGFRA):c.469A>T (p.Thr157Ser)

Gene: PDGFRA (platelet derived growth factor receptor alpha; plus strand). Cytogenetic location: 4q12.
Variant type: single nucleotide variant.
Coding change: c.469A>T on transcript NM_006206.6 (MANE Select); coding-DNA position 469, A replaced by T.
Protein change: p.Thr157Ser; replaces threonine 157 with serine.
Molecular consequence: missense variant.
Genome position (GRCh38, 1-based): chr4:54,263,768, A>T. VCF-style: chr4-54263768-A-T. GRCh37 (hg19) VCF-style: chr4-55129935-A-T.
Other names: c.469A>T, p.Thr157Ser (NM_001347827.2, NM_001347829.2); c.544A>T, p.Thr182Ser (NM_001347828.2); c.508A>T, p.Thr170Ser (NM_001347830.2); short protein forms T157S, T170S, T182S.
Identifiers: ClinVar variation 1052625 (VCV001052625.9), dbSNP rs2110251816, ClinGen allele CA356889889.